The following is an entry in ClinVar:

NC_000023.11:g.(?_32342090)_(32849830_?)del

Gene: DMD (dystrophin; minus strand). Cytogenetic location: Xp21.1.
Variant type: Deletion.
Identifiers: ClinVar variation 833307 (VCV000833307.6).

ClinVar aggregate classification (germline): Pathogenic (1 of 4 stars; one submission).

Conditions:
Duchenne muscular dystrophy (DMD). Also called: Duchenne Muscular Dystrophy (DMD); MUSCULAR DYSTROPHY, PSEUDOHYPERTROPHIC PROGRESSIVE, DUCHENNE TYPE. Identifiers: Orphanet 98896, MedGen C0013264, MONDO:0010679, OMIM 310200.

Submission:

Labcorp Genetics (formerly Invitae), Labcorp
Classification: Pathogenic for Duchenne muscular dystrophy. Last evaluated: 2022-09-06. Review status: criteria provided, single submitter. Criteria: Invitae Variant Classification Sherloc (09022015). Collection method: clinical testing. Allele origin: germline.
Comment: This variant is a gross deletion of the genomic region encompassing exon(s) 3-41 of the DMD gene. This variant would be expected to be in-frame, preserving the integrity of the reading frame. A similar copy number variant has been observed in individual(s) with Duchenne muscular dystrophy (PMID: 12674656, 27206868). The region of the DMD gene that includes exon(s) sub-genic deletion of exons 3-12 has been determined to be clinically significant (PMID: 19937601, 25482253; Invitae). Therefore, deletions that encompass that region are likely to be disease-causing. For these reasons, this variant has been classified as Pathogenic.

Literature cited by the submitters: PubMed 12674656; PubMed 27206868; PubMed 19937601; PubMed 25482253.